The following is an entry in ClinVar:

NM_000690.4(ALDH2):c.1510G>A (p.Glu504Lys)

Gene: ALDH2 (aldehyde dehydrogenase 2 family member; plus strand). Cytogenetic location: 12q24.12.
Variant type: single nucleotide variant.
Coding change: c.1510G>A on transcript NM_000690.4 (MANE Select); coding-DNA position 1510, G replaced by A.
Protein change: p.Glu504Lys; replaces glutamic acid 504 with lysine.
Molecular consequence: missense variant.
Genome position (GRCh38, 1-based): chr12:111,803,962, G>A. VCF-style: chr12-111803962-G-A. GRCh37 (hg19) VCF-style: chr12-112241766-G-A.
Other names: ALDH2*2; ALDH2, GLU504LYS (rs671); GLU487LYS; c.1369G>A, p.Glu457Lys (NM_001204889.2); short protein forms E504K, E457K.
Identifiers: ClinVar variation 18390 (VCV000018390.12), dbSNP rs671, ClinGen allele CA128085.

ClinVar aggregate classification (germline): drug response. Review status: reviewed by expert panel (3 of 4 stars). 8 submissions from 3 submitters: drug response (1). 7 of the submissions do not count toward it. Last evaluated 2021-03-24.

Conditions:
NITROGLYCERIN, POOR RESPONSE TO. Identifiers: OMIM 610251.
ALDH2-related disorder. Also called: ALDH2-related condition.
AMED syndrome, digenic. Also called: BONE MARROW FAILURE SYNDROME 7, DIGENIC; ALDEHYDE DEGRADATION DEFICIENCY SYNDROME. Identifiers: Orphanet 611216, MedGen C5436906, MONDO:0030894, OMIM 619151.
Alcohol sensitivity, acute. Identifiers: MedGen C2674838, MONDO:0012454, OMIM 610251.
Alcohol dependence. Also called: ALCOHOL DEPENDENCE, PROTECTION AGAINST; Addictive alcohol use. Identifiers: MedGen C0001973, MONDO:0007079, OMIM 103780, HP:0030955.
Susceptibility to hangover. Identifiers: MedGen C2608086.
ESOPHAGEAL CANCER, ALCOHOL-RELATED, SUSCEPTIBILITY TO. Identifiers: MedGen C3149226.
ethanol response - Toxicity.

Allele frequency attached by ClinVar (database versions not stated): ExAC 0.02129; gnomAD exomes 0.00700 and 0.01888; TOPMed 0.00896; 1000 Genomes Project 30x 0.03357; 1000 Genomes Project 0.03574; gnomAD 0.00596 and 0.00793.
gnomAD v4.1: 11,316 of 1,608,410 alleles (0.7%); highest among the groups gnomAD compares: East Asian, 24%; 1,380 homozygotes.

Submissions (8):

ClinPGx
Classification: drug response for ethanol response - Toxicity. Last evaluated: 2021-03-24. Review status: reviewed by expert panel. Criteria: Pharmacogenomics knowledge for personalized medicine. Collection method: curation. Allele origin: germline. Affected: yes.
Comment: PharmGKB Level of Evidence 2B: Variants in Level 2B clinical annotations are not in PharmGKB’s Tier 1 VIPs. These clinical annotations describe variant-drug combinations with a moderate level of evidence supporting the association. For example, the association may be found in multiple cohorts, but there may be a minority of studies that do not support the majority assertion. Level 2B clinical annotations must be supported by at least two independent publications.

Drug is not necessarily used to treat response condition

Department of Pathology and Laboratory Medicine, Sinai Health System
Classification: Uncertain significance for ALDH2-related condition. Last evaluated: 2023-09-21. Review status: criteria provided, single submitter. Criteria: ACMG Guidelines, 2015. Collection method: research. Allele origin: germline. Not counted in ClinVar's aggregate classification.

OMIM
No classification provided. Condition: ALCOHOL SENSITIVITY, ACUTE. Last evaluated: 2026-03-30. Review status: no classification provided. Collection method: literature only. Allele origin: germline. Not counted in ClinVar's aggregate classification.

OMIM
Classification: protective for ALCOHOL DEPENDENCE, PROTECTION AGAINST. Last evaluated: 2010-02-01. Review status: no assertion criteria provided. Collection method: literature only. Allele origin: germline. Not counted in ClinVar's aggregate classification.

OMIM
Classification: risk factor for HANGOVER, SUSCEPTIBILITY TO. Last evaluated: 2010-02-01. Review status: no assertion criteria provided. Collection method: literature only. Allele origin: germline. Not counted in ClinVar's aggregate classification.

OMIM
Classification: risk factor for ESOPHAGEAL CANCER, ALCOHOL-RELATED, SUSCEPTIBILITY TO. Last evaluated: 2010-02-01. Review status: no assertion criteria provided. Collection method: literature only. Allele origin: germline. Not counted in ClinVar's aggregate classification.

OMIM
Classification: Pathogenic for AMED SYNDROME, DIGENIC. Last evaluated: 2010-02-01. Review status: no assertion criteria provided. Collection method: literature only. Allele origin: germline. Not counted in ClinVar's aggregate classification.

OMIM
Classification: drug response for NITROGLYCERIN, POOR RESPONSE TO. Last evaluated: 2010-02-01. Review status: no assertion criteria provided. Collection method: literature only. Allele origin: germline. Not counted in ClinVar's aggregate classification.

Literature cited by the submitters: PubMed 15902904 (cited by ClinPGx); PubMed 16679777 (cited by ClinPGx); PubMed 16440063 (cited by OMIM); PubMed 6650498 (cited by OMIM); PubMed 4065146 (cited by OMIM); PubMed 2987944 (cited by OMIM); PubMed 7180842 (cited by OMIM); PubMed 7593603 (cited by OMIM); PubMed 8903321 (cited by OMIM); PubMed 10780266 (cited by OMIM); PubMed 15654505 (cited by OMIM); PubMed 17885622 (cited by OMIM); PubMed 18056758 (cited by OMIM); PubMed 10627091 (cited by OMIM); PubMed 16046871 (cited by OMIM); PubMed 20010786 (cited by OMIM); PubMed 32009064 (cited by OMIM); PubMed 39928694 (cited by OMIM); PubMed 33355142 (cited by OMIM).